The following is an entry in ClinVar:

ClinVar aggregate classification (germline): Likely pathogenic (1 of 4 stars; one submission).

Conditions:
Sphingomyelin/cholesterol lipidosis. Also called: Niemann-Pick disease. Identifiers: MedGen C0028064, MONDO:0001982.

Submission:

Women's Health and Genetics/Laboratory Corporation of America, LabCorp
Classification: Likely pathogenic for Sphingomyelin/cholesterol lipidosis. Last evaluated: 2023-04-11. Review status: criteria provided, single submitter. Criteria: LabCorp Variant Classification Summary - May 2015. Collection method: clinical testing. Allele origin: germline.
Comment: Variant summary: SMPD1 c.106_107delinsCGCTGGC (p.Val36ArgfsX43) results in a premature termination codon, predicted to cause a truncation of the encoded protein or absence of the protein due to nonsense mediated decay, which are commonly known mechanisms for disease. Truncations downstream of this position have been classified as pathogenic by our laboratory. The variant was absent in 234736 control chromosomes (gnomAD). To our knowledge, no occurrence of c.106_107delinsCGCTGGC in individuals affected with Niemann-Pick Disease and no experimental evidence demonstrating its impact on protein function have been reported. No clinical diagnostic laboratories have submitted clinical-significance assessments for this variant to ClinVar after 2014. Based on the evidence outlined above, the variant was classified as likely pathogenic.

NM_000543.5(SMPD1):c.106_107delinsCGCTGGC (p.Val36fs)

Gene: SMPD1 (sphingomyelin phosphodiesterase 1; plus strand). Cytogenetic location: 11p15.4.
Variant type: Indel.
Coding change: c.106_107delinsCGCTGGC on transcript NM_000543.5 (MANE Select); coding-DNA positions 106 to 107, GT replaced by CGCTGGC.
Protein change: p.Val36fs; shifts the reading frame from valine 36.
Molecular consequence: frameshift variant. On other transcripts: 5 prime UTR variant (1), non-coding transcript variant (2).
Genome position (GRCh38, 1-based): chr11:6,390,704-6,390,705, GT replaced by CGCTGGC. VCF-style: chr11-6390704-GT-CGCTGGC. GRCh37 (hg19) VCF-style: chr11-6411934-GT-CGCTGGC.
Other names: c.106_107delinsCGCTGGC, p.Val36fs (NM_001007593.3, NM_001318087.2, NM_001365135.2); c.-856_-855delinsCGCTGGC (NM_001318088.2); c.106_107delinsCGCTGGC (NM_000543.4); short protein forms V36fs.
Identifiers: ClinVar variation 2503937 (VCV002503937.1), dbSNP rs2493799201, ClinGen allele CA2580615628.
Genomic context (GRCh38, chr11:6,390,704, plus strand): 5'-GGCCGGGAGCAGGGACAAGACGGGACCGCCGGAGCCCCCGGACTCCTTTGGATGGGCCTG[GT>CGCTGGC]GCTGGCGCTGGCGCTGGCGCTGGCGCTGGCGCTGGCTCTGTCTGACTCTCGGGTTCTCTG-3'